The following is an entry in ClinVar:

ClinVar aggregate classification (germline): Uncertain significance (1 of 4 stars; one submission).

Conditions:
Hereditary cancer-predisposing syndrome. Also called: Tumor predisposition; Hereditary Cancer Syndrome; Neoplastic Syndromes, Hereditary; Hereditary neoplastic syndrome. Identifiers: Orphanet 140162, MedGen C0027672, MeSH D009386, MONDO:0015356.

Submission:

Color Diagnostics, LLC DBA Color Health
Classification: Uncertain significance for Hereditary cancer-predisposing syndrome. Last evaluated: 2021-06-08. Review status: criteria provided, single submitter. Criteria: ACMG Guidelines, 2015. Collection method: clinical testing. Allele origin: germline.
Comment: This missense variant replaces asparagine with isoleucine at codon 43 of the BRCA2 protein. Computational prediction suggests that this variant may not impact protein structure and function (internally defined REVEL score threshold <= 0.5, PMID: 27666373). To our knowledge, functional studies have not been reported for this variant. This variant has not been reported in individuals affected with hereditary cancer in the literature. This variant has not been identified in the general population by the Genome Aggregation Database (gnomAD). The available evidence is insufficient to determine the role of this variant in disease conclusively. Therefore, this variant is classified as a Variant of Uncertain Significance.

NM_000059.4(BRCA2):c.128A>T (p.Asn43Ile)

Gene: BRCA2 (BRCA2 DNA repair associated; plus strand). Cytogenetic location: 13q13.1.
Variant type: single nucleotide variant.
Coding change: c.128A>T on transcript NM_000059.4 (MANE Select); coding-DNA position 128, A replaced by T.
Protein change: p.Asn43Ile; replaces asparagine 43 with isoleucine.
Molecular consequence: missense variant.
Genome position (GRCh38, 1-based): chr13:32,319,137, A>T. VCF-style: chr13-32319137-A-T. GRCh37 (hg19) VCF-style: chr13-32893274-A-T.
Other names: short protein forms N43I.
Identifiers: ClinVar variation 1332652 (VCV001332652.2), dbSNP rs2072285447, ClinGen allele CA387754237.